The following is an entry in ClinVar:

ClinVar aggregate classification (germline): Uncertain significance (1 of 4 stars; one submission).

Conditions:
Hereditary cancer-predisposing syndrome. Also called: Tumor predisposition; Hereditary neoplastic syndrome; Neoplastic Syndromes, Hereditary; Hereditary Cancer Syndrome. Identifiers: Orphanet 140162, MedGen C0027672, MeSH D009386, MONDO:0015356.

Submission:

Ambry Genetics
Classification: Uncertain significance for Hereditary cancer-predisposing syndrome. Last evaluated: 2025-05-08. Review status: criteria provided, single submitter. Criteria: Ambry Variant Classification Scheme 2023. Collection method: clinical testing. Allele origin: germline.
Comment: The p.H125Y variant (also known as c.373C>T), located in coding exon 3 of the XRCC2 gene, results from a C to T substitution at nucleotide position 373. The histidine at codon 125 is replaced by tyrosine, an amino acid with similar properties. This amino acid position is conserved. In addition, this alteration is predicted to be tolerated by in silico analysis. Based on the available evidence, the clinical significance of this variant remains unclear.

NM_005431.2(XRCC2):c.373C>T (p.His125Tyr)

Gene: XRCC2 (X-ray repair cross complementing 2; minus strand). Cytogenetic location: 7q36.1.
Variant type: single nucleotide variant.
Coding change: c.373C>T on transcript NM_005431.2 (MANE Select); coding-DNA position 373, C replaced by T.
Protein change: p.His125Tyr; replaces histidine 125 with tyrosine.
Molecular consequence: missense variant.
Genome position (GRCh38, 1-based): chr7:152,649,112, G>A on the plus strand (C>T on the coding strand, the complement: XRCC2 is on the minus strand). VCF-style: chr7-152649112-G-A. GRCh37 (hg19) VCF-style: chr7-152346197-G-A.
Other names: short protein forms H125Y.
Identifiers: ClinVar variation 3982925 (VCV003982925.1).